The following is an entry in ClinVar:

NM_004370.6(COL12A1):c.8942-31_8942-12del

Gene: COL12A1 (collagen type XII alpha 1 chain; minus strand). Cytogenetic location: 6q13.
Variant type: Deletion.
Coding change: c.8942-31_8942-12del on transcript NM_004370.6 (MANE Select); 31 bases into the intron before coding-DNA position 8942 through 12 bases into the intron before coding-DNA position 8942, 20 bases deleted (CCCTGTGCTTTCTCTTTTTC).
Molecular consequence: intron variant.
Genome position (GRCh38, 1-based): chr6:75,089,186-75,089,205, GAAAAAGAGAAAGCACAGGG deleted on the plus strand (CCCTGTGCTTTCTCTTTTTC on the coding strand, the reverse complement: COL12A1 is on the minus strand); deleting any 20 consecutive bases within chr6:75,089,186-75,089,211 gives the same sequence; the c. name uses the placement nearest the transcript's 3' end. VCF-style (leftmost placement, unchanged base first): chr6-75089185-AGAAAAAGAGAAAGCACAGGG-A. GRCh37 (hg19) VCF-style: chr6-75798901-AGAAAAAGAGAAAGCACAGGG-A.
Other names: c.5450-31_5450-12del (NM_001424116.1, NM_080645.3); c.8669-31_8669-12del (NM_001424115.1); c.8921-31_8921-12del (NM_001424114.1); c.8942-31_8942-12del (NM_001424113.1).
Identifiers: ClinVar variation 4790717 (VCV004790717.1).

ClinVar aggregate classification (germline): Uncertain significance (1 of 4 stars; one submission).

Conditions:
Bethlem myopathy 2 (BTHLM2). Identifiers: Orphanet 536516, Orphanet 610, MedGen C4225313, MONDO:0034022, OMIM 616471.
Ullrich congenital muscular dystrophy 2 (UCMD2). Identifiers: Orphanet 75840, MedGen C4225314, MONDO:0014654, OMIM 616470.

Submission:

Labcorp Genetics (formerly Invitae), Labcorp
Classification: Uncertain significance for Bethlem myopathy 2; Ullrich congenital muscular dystrophy 2. Last evaluated: 2025-08-22. Review status: criteria provided, single submitter. Criteria: Invitae Variant Classification Sherloc (09022015). Collection method: clinical testing. Allele origin: germline.
Comment: This sequence change falls in intron 63 of the COL12A1 gene. It does not directly change the encoded amino acid sequence of the COL12A1 protein. This variant is present in population databases (rs778475158, gnomAD 0.004%). This variant has not been reported in the literature in individuals affected with COL12A1-related conditions. Experimental studies and prediction algorithms are not available or were not evaluated, and the effect of this variant on mRNA splicing is currently unknown. In summary, the available evidence is currently insufficient to determine the role of this variant in disease. Therefore, it has been classified as a Variant of Uncertain Significance.